The following is an entry in ClinVar:

ClinVar aggregate classification (germline): Conflicting classifications of pathogenicity. Review status: criteria provided, conflicting classifications (1 of 4 stars). 3 submissions from 3 submitters: Uncertain significance (2); Likely benign (1). Last evaluated 2023-12-13.

Conditions:
Cardiovascular phenotype. Identifiers: MedGen CN230736.
Long QT syndrome (LQTS). Identifiers: MedGen C0023976, MeSH D008133, MONDO:0002442. Disease mechanism: loss of function. Inheritance: Various modes of inheritance.

Allele frequency attached by ClinVar (database versions not stated): gnomAD 0.00001; gnomAD exomes 0.00001 and 0.00004; ExAC 0.00002; TOPMed 0.00002.
gnomAD v4.1: 15 of 1,614,062 alleles (0.00093%); highest among the groups gnomAD compares: Admixed American, 0.023%; no homozygotes.

Submissions (3):

Labcorp Genetics (formerly Invitae), Labcorp
Classification: Uncertain significance for Long QT syndrome. Last evaluated: 2023-12-13. Review status: criteria provided, single submitter. Criteria: Invitae Variant Classification Sherloc (09022015). Collection method: clinical testing. Allele origin: germline.
Comment: This sequence change replaces valine, which is neutral and non-polar, with methionine, which is neutral and non-polar, at codon 418 of the ANK2 protein (p.Val418Met). This variant is present in population databases (rs760073103, gnomAD 0.03%). This variant has not been reported in the literature in individuals affected with ANK2-related conditions. ClinVar contains an entry for this variant (Variation ID: 190544). Advanced modeling of protein sequence and biophysical properties (such as structural, functional, and spatial information, amino acid conservation, physicochemical variation, residue mobility, and thermodynamic stability) performed at Invitae indicates that this missense variant is not expected to disrupt ANK2 protein function with a negative predictive value of 80%. In summary, the available evidence is currently insufficient to determine the role of this variant in disease. Therefore, it has been classified as a Variant of Uncertain Significance.

Ambry Genetics
Classification: Likely benign for Cardiovascular phenotype. Last evaluated: 2023-02-16. Review status: criteria provided, single submitter. Criteria: Ambry Variant Classification Scheme 2023. Collection method: clinical testing. Allele origin: germline.

GeneDx
Classification: Uncertain significance. Last evaluated: 2014-12-09. Review status: criteria provided, single submitter. Criteria: GeneDx Variant Classification (06012015). Collection method: clinical testing. Allele origin: germline. Affected: yes.
Comment: p.Val418Met (V418M) GTG>ATG: c.1252 G>A in exon 12 of the ANK2 gene (NM_001148.4). The V418M variant in the ANK2 gene has not been reported as a disease-causing mutation or as a benign polymorphism to our knowledge. V418M results in a conservative amino acid substitution of one non-polar amino acid for another at a position that is conserved across most species. In silico algorithms are not consistent in their predictions but at least two concur that V418M is damaging to the protein structure/function. Additionally, V418M was not observed in approximately 6500 individuals of European and African American ancestry in the NHLBI Exome Sequencing Project, indicating it is not a common benign variant in these populations. However, nearby mutations have not been reported to date indicating this region of the ankyrin protein may be tolerant of change. Therefore, based on the currently available information, it is unclear whether this variant is a pathogenic mutation or a rare benign variant. The variant is found in LQT panel(s).

NM_001148.6(ANK2):c.1252G>A (p.Val418Met)

Gene: ANK2 (ankyrin 2; plus strand). Cytogenetic location: 4q26.
Variant type: single nucleotide variant.
Coding change: c.1252G>A on transcript NM_001148.6 (MANE Select); coding-DNA position 1252, G replaced by A.
Protein change: p.Val418Met; replaces valine 418 with methionine.
Molecular consequence: missense variant. On other transcripts: intron variant (5).
Genome position (GRCh38, 1-based): chr4:113,258,113, G>A. VCF-style: chr4-113258113-G-A. GRCh37 (hg19) VCF-style: chr4-114179269-G-A.
Other names: p.V418M:GTG>ATG; c.1189G>A, p.Val397Met (NM_001127493.3, NM_001354239.2, NM_001354243.2 and 14 more transcripts); c.1252G>A, p.Val418Met (NM_001354225.2, NM_001354228.2, NM_001354232.2 and 8 more transcripts); c.1297G>A, p.Val433Met (NM_001354230.2, NM_001354231.2, NM_001354237.2 and 5 more transcripts); c.1165G>A, p.Val389Met (NM_001354249.2, NM_001354260.2, NM_001354264.2 and 13 more transcripts); c.1210G>A, p.Val404Met (NM_001354261.2, NM_001386147.1, NM_001386160.1); c.1240G>A, p.Val414Met (NM_001386148.2, NM_001386186.2); c.1303G>A, p.Val435Met (NM_001386174.1); and 5 more; short protein forms V397M, V418M, V433M, V389M, V404M, V406M, V414M, V427M.
Identifiers: ClinVar variation 190544 (VCV000190544.8), dbSNP rs760073103, ClinGen allele CA300780.